The following is an entry in ClinVar:

ClinVar aggregate classification (germline): Uncertain significance (1 of 4 stars; one submission).

Conditions:
Catecholaminergic polymorphic ventricular tachycardia 1. Also called: VENTRICULAR TACHYCARDIA, STRESS-INDUCED POLYMORPHIC 1; RYR2-Related Catecholaminergic Polymorphic Ventricular Tachycardia; VENTRICULAR TACHYCARDIA, CATECHOLAMINERGIC POLYMORPHIC, 1, WITH OR WITHOUT ATRIAL DYSFUNCTION AND/OR DILATED CARDIOMYOPATHY. Identifiers: Orphanet 3286, MedGen C1631597, MONDO:0011484, OMIM 604772.

Submission:

Labcorp Genetics (formerly Invitae), Labcorp
Classification: Uncertain significance for Catecholaminergic polymorphic ventricular tachycardia 1. Last evaluated: 2025-12-23. Review status: criteria provided, single submitter. Criteria: Invitae Variant Classification Sherloc (09022015). Collection method: clinical testing. Allele origin: germline.
Comment: This sequence change replaces serine, which is neutral and polar, with alanine, which is neutral and non-polar, at codon 413 of the RYR2 protein (p.Ser413Ala). This variant is not present in population databases (gnomAD no frequency). This variant has not been reported in the literature in individuals affected with RYR2-related conditions. Invitae Evidence Modeling of protein sequence and biophysical properties (such as structural, functional, and spatial information, amino acid conservation, physicochemical variation, residue mobility, and thermodynamic stability) has been performed for this missense variant. However, the output from this modeling did not meet the statistical confidence thresholds required to predict the impact of this variant on RYR2 protein function. In summary, the available evidence is currently insufficient to determine the role of this variant in disease. Therefore, it has been classified as a Variant of Uncertain Significance.

NM_001035.3(RYR2):c.1237T>G (p.Ser413Ala)

Gene: RYR2 (ryanodine receptor 2; plus strand). Cytogenetic location: 1q43.
Variant type: single nucleotide variant.
Coding change: c.1237T>G on transcript NM_001035.3 (MANE Select); coding-DNA position 1237, T replaced by G.
Protein change: p.Ser413Ala; replaces serine 413 with alanine.
Molecular consequence: missense variant.
Genome position (GRCh38, 1-based): chr1:237,445,467, T>G. VCF-style: chr1-237445467-T-G. GRCh37 (hg19) VCF-style: chr1-237608767-T-G.
Other names: short protein forms S413A.
Identifiers: ClinVar variation 4800053 (VCV004800053.1).